The following is an entry in ClinVar:

ClinVar aggregate classification (germline): Likely benign (1 of 4 stars; one submission).

Allele frequency attached by ClinVar (database versions not stated): gnomAD exomes 0.00002; ExAC 0.00004.
gnomAD v4.1: 39 of 1,566,942 alleles (0.0025%); highest among the groups gnomAD compares: African/African-American, 0.016%; no homozygotes.

Submission:

CeGaT Center for Human Genetics Tuebingen
Classification: Likely benign. Last evaluated: 2023-02-01. Review status: criteria provided, single submitter. Criteria: CeGaT Center For Human Genetics Tuebingen Variant Classification Criteria Version 2. Collection method: clinical testing. Allele origin: germline. Affected: yes. Observed: 1 variant allele.
Comment: SLIT3: BP4, BP7

NM_003062.4(SLIT3):c.2643C>T (p.Ile881=)

Genes: SLIT3 (slit guidance ligand 3; minus strand), SLIT3-AS2 (SLIT3 antisense RNA 2; plus strand). Cytogenetic location: 5q34.
Variant type: single nucleotide variant.
Coding change: c.2643C>T on transcript NM_003062.4 (MANE Select); coding-DNA position 2643, C replaced by T.
Protein change: p.Ile881=; no amino-acid change (isoleucine 881 retained).
Molecular consequence: synonymous variant.
Genome position (GRCh38, 1-based): chr5:168,710,971, G>A on the plus strand (C>T on the coding strand, the complement: SLIT3 is on the minus strand). VCF-style: chr5-168710971-G-A. GRCh37 (hg19) VCF-style: chr5-168137976-G-A.
Other names: c.2643C>T, p.Ile881= (NM_001271946.2).
Identifiers: ClinVar variation 2498992 (VCV002498992.28), dbSNP rs758437974, ClinGen allele CA3551194.